The following is an entry in ClinVar:

ClinVar aggregate classification (germline): Uncertain significance. Review status: criteria provided, multiple submitters, no conflicts (2 of 4 stars). 4 submissions from 4 submitters: Uncertain significance (4). Last evaluated 2025-08-29.

Conditions:
Kleefstra syndrome 2 (KLEFS2). Identifiers: MedGen C4540395, MONDO:0054701, OMIM 617768.
Inborn genetic diseases. Identifiers: MedGen C0950123, MeSH D030342.

Allele frequency attached by ClinVar (database versions not stated): gnomAD exomes below 0.00001; gnomAD 0.00001; TOPMed 0.00005.
gnomAD v4.1: 6 of 1,614,092 alleles (0.00037%); highest among the groups gnomAD compares: Admixed American, 0.0033%; no homozygotes.

Submissions (4):

Labcorp Genetics (formerly Invitae), Labcorp
Classification: Uncertain significance. Last evaluated: 2025-08-29. Review status: criteria provided, single submitter. Criteria: Invitae Variant Classification Sherloc (09022015). Collection method: clinical testing. Allele origin: germline.
Comment: This sequence change replaces leucine, which is neutral and non-polar, with isoleucine, which is neutral and non-polar, at codon 4452 of the KMT2C protein (p.Leu4452Ile). This variant is not present in population databases (gnomAD no frequency). This variant has not been reported in the literature in individuals affected with KMT2C-related conditions. ClinVar contains an entry for this variant (Variation ID: 1325518). An algorithm developed to predict the effect of missense changes on protein structure and function (PolyPhen-2) suggests that this variant is likely to be disruptive. In summary, the available evidence is currently insufficient to determine the role of this variant in disease. Therefore, it has been classified as a Variant of Uncertain Significance.

Ambry Genetics
Classification: Uncertain significance for Inborn genetic diseases. Last evaluated: 2024-07-25. Review status: criteria provided, single submitter. Criteria: Ambry Variant Classification Scheme 2023. Collection method: clinical testing. Allele origin: germline.

Laboratorio de Genetica e Diagnostico Molecular, Hospital Israelita Albert Einstein
Classification: Uncertain significance for Kleefstra syndrome 2. Last evaluated: 2024-05-23. Review status: criteria provided, single submitter. Criteria: ACMG Guidelines, 2015. Collection method: clinical testing. Allele origin: germline. Affected: yes.
Comment: ACMG classification criteria: PM2 supporting, PP2 supporting, BP4 supporting

New York Genome Center
Classification: Uncertain significance for Kleefstra syndrome 2. Last evaluated: 2020-06-11. Review status: criteria provided, single submitter. Criteria: NYGC Assertion Criteria 2020. Collection method: clinical testing. Allele origin: inherited. Observed: 1 heterozygote. Study: CSER-NYCKidSeq.

NM_170606.3(KMT2C):c.13354C>A (p.Leu4452Ile)

Gene: KMT2C (lysine methyltransferase 2C; minus strand). Cytogenetic location: 7q36.1.
Variant type: single nucleotide variant.
Coding change: c.13354C>A on transcript NM_170606.3 (MANE Select); coding-DNA position 13354, C replaced by A.
Protein change: p.Leu4452Ile; replaces leucine 4452 with isoleucine.
Molecular consequence: missense variant.
Genome position (GRCh38, 1-based): chr7:152,148,573, G>T on the plus strand (C>A on the coding strand, the complement: KMT2C is on the minus strand). VCF-style: chr7-152148573-G-T. GRCh37 (hg19) VCF-style: chr7-151845658-G-T.
Other names: short protein forms L4452I.
Identifiers: ClinVar variation 1325518 (VCV001325518.9), dbSNP rs1259070282, ClinGen allele CA370091431.